The following is an entry in ClinVar:

NM_004958.4(MTOR):c.7613T>C (p.Leu2538Pro)

Gene: MTOR (mechanistic target of rapamycin kinase; minus strand). Cytogenetic location: 1p36.22.
Variant type: single nucleotide variant.
Coding change: c.7613T>C on transcript NM_004958.4 (MANE Select); coding-DNA position 7613, T replaced by C.
Protein change: p.Leu2538Pro; replaces leucine 2538 with proline.
Molecular consequence: missense variant.
Genome position (GRCh38, 1-based): chr1:11,108,202, A>G on the plus strand (T>C on the coding strand, the complement: MTOR is on the minus strand). VCF-style: chr1-11108202-A-G. GRCh37 (hg19) VCF-style: chr1-11168259-A-G.
Other names: c.7613T>C, p.Leu2538Pro (NM_001386500.1); c.6365T>C, p.Leu2122Pro (NM_001386501.1); short protein forms L2122P, L2538P.
Identifiers: ClinVar variation 2742768 (VCV002742768.3), dbSNP rs2521990675, ClinGen allele CA338377924.
Genomic context (GRCh38, chr1:11,108,202, plus strand): 5'-TGCTTATTTTAACAAAGTCACTTTGAGAGCCCCACTCACCAGCCAATATAGCACTGGCAG[A>G]GGTTTTCATGGGATGTCGCTTGTTTGATGAGCAGCTCAACTTGCGTTGGAACATCCAAAG-3'
Protein context (NP_004949.1, residues 2528-2548): LIKQATSHEN[Leu2538Pro]CQCYIGWCPF

ClinVar aggregate classification (germline): Uncertain significance (1 of 4 stars; one submission).

Submission:

Labcorp Genetics (formerly Invitae), Labcorp
Classification: Uncertain significance. Last evaluated: 2023-05-27. Review status: criteria provided, single submitter. Criteria: Invitae Variant Classification Sherloc (09022015). Collection method: clinical testing. Allele origin: germline.
Comment: This sequence change replaces leucine, which is neutral and non-polar, with proline, which is neutral and non-polar, at codon 2538 of the MTOR protein (p.Leu2538Pro). This variant is not present in population databases (gnomAD no frequency). This variant has not been reported in the literature in individuals affected with MTOR-related conditions. Advanced modeling of protein sequence and biophysical properties (such as structural, functional, and spatial information, amino acid conservation, physicochemical variation, residue mobility, and thermodynamic stability) has been performed at Invitae for this missense variant, however the output from this modeling did not meet the statistical confidence thresholds required to predict the impact of this variant on MTOR protein function. In summary, the available evidence is currently insufficient to determine the role of this variant in disease. Therefore, it has been classified as a Variant of Uncertain Significance.